The following is an entry in ClinVar:

ClinVar aggregate classification (germline): Uncertain significance (1 of 4 stars; one submission).

Conditions:
Inborn genetic diseases. Identifiers: MedGen C0950123, MeSH D030342.

Allele frequency attached by ClinVar (database versions not stated): gnomAD exomes below 0.00001.
gnomAD v4.1: 2 of 1,610,726 alleles (0.00012%); highest among the groups gnomAD compares: Non-Finnish European, 0.00017%; no homozygotes.

Submission:

Ambry Genetics
Classification: Uncertain significance for Inborn genetic diseases. Last evaluated: 2024-08-09. Review status: criteria provided, single submitter. Criteria: Ambry Variant Classification Scheme 2023. Collection method: clinical testing. Allele origin: germline.
Comment: The p.K2091N variant (also known as c.6273A>T), located in coding exon 42 of the LRRK2 gene, results from an A to T substitution at nucleotide position 6273. The lysine at codon 2091 is replaced by asparagine, an amino acid with similar properties. This amino acid position is conserved. In addition, this alteration is predicted to be tolerated by in silico analysis. Since supporting evidence is limited at this time, the clinical significance of this alteration remains unclear.

NM_198578.4(LRRK2):c.6273A>T (p.Lys2091Asn)

Gene: LRRK2 (leucine rich repeat kinase 2; plus strand). Cytogenetic location: 12q12.
Variant type: single nucleotide variant.
Coding change: c.6273A>T on transcript NM_198578.4 (MANE Select); coding-DNA position 6273, A replaced by T.
Protein change: p.Lys2091Asn; replaces lysine 2091 with asparagine.
Molecular consequence: missense variant.
Genome position (GRCh38, 1-based): chr12:40,346,916, A>T. VCF-style: chr12-40346916-A-T. GRCh37 (hg19) VCF-style: chr12-40740718-A-T.
Other names: short protein forms K2091N.
Identifiers: ClinVar variation 1752555 (VCV001752555.3), dbSNP rs2499967456, ClinGen allele CA384405750.